The following is an entry in ClinVar:

NM_001853.4(COL9A3):c.1386C>T (p.Val462=)

Genes: COL9A3 (collagen type IX alpha 3 chain; plus strand), LOC126863084 (MED14-independent group 3 enhancer GRCh37_chr20:61467141-61468340; plus strand). Cytogenetic location: 20q13.33.
Variant type: single nucleotide variant.
Coding change: c.1386C>T on transcript NM_001853.4 (MANE Select); coding-DNA position 1386, C replaced by T.
Protein change: p.Val462=; no amino-acid change (valine 462 retained).
Molecular consequence: synonymous variant.
Genome position (GRCh38, 1-based): chr20:62,835,938, C>T. VCF-style: chr20-62835938-C-T. GRCh37 (hg19) VCF-style: chr20-61467290-C-T.
Other names: c.1386C>T (NM_001853.3).
Identifiers: ClinVar variation 2920288 (VCV002920288.4), dbSNP rs374277799, ClinGen allele CA9949937.
Genomic context (GRCh38, chr20:62,835,938, plus strand): 5'-CAACAATACACTTAGTTCAAACACACAACTTTTCTCTTCACAGGGTCCCAGCGGCCTGGT[C>T]GGACCCAAAGGAGAGGTGAGTGCCCGGCGACTGTTCCGATGACACCATCCATGGGCGCCT-3'
Protein context (NP_001844.3, residues 452-472): DKGELGPSGL[Val462=]GPKGESGSRG

ClinVar aggregate classification (germline): Likely benign. Review status: criteria provided, single submitter (1 of 4 stars). 2 submissions from 2 submitters: Likely benign (1). 1 of the submissions does not count toward it. Last evaluated 2025-11-08.

Conditions:
COL9A3-related disorder. Also called: COL9A3-related condition.

Allele frequency attached by ClinVar (database versions not stated): ExAC 0.00002; TOPMed 0.00002.
gnomAD v4.1: 23 of 1,614,056 alleles (0.0014%); highest among the groups gnomAD compares: South Asian, 0.0055%; no homozygotes.

Submissions (2):

Labcorp Genetics (formerly Invitae), Labcorp
Classification: Likely benign. Last evaluated: 2025-11-08. Review status: criteria provided, single submitter. Criteria: Invitae Variant Classification Sherloc (09022015). Collection method: clinical testing. Allele origin: germline.

PreventionGenetics, part of Exact Sciences
Classification: Likely benign for COL9A3-related condition. Last evaluated: 2024-09-10. Review status: no assertion criteria provided. Collection method: clinical testing. Allele origin: germline. Not counted in ClinVar's aggregate classification.
Comment: This variant is classified as likely benign based on ACMG/AMP sequence variant interpretation guidelines (Richards et al. 2015 PMID: 25741868, with internal and published modifications).